The following is an entry in ClinVar:

ClinVar aggregate classification (germline): Uncertain significance (1 of 4 stars; one submission).

Conditions:
Hypogonadotropic hypogonadism 6 with or without anosmia (HH6). Also called: HYPOGONADOTROPIC HYPOGONADISM 6 WITHOUT ANOSMIA; HYPOGONADOTROPIC HYPOGONADISM 6 WITH ANOSMIA; FGF8-Related GnRH Deficiency (Kallmann Syndrome 6). Identifiers: Orphanet 478, MedGen C3552574, MONDO:0012988, OMIM 612702.

gnomAD v4.1: 52 of 1,613,538 alleles (0.0032%); highest among the groups gnomAD compares: South Asian, 0.0077%; no homozygotes.

Submission:

Juno Genomics, Hangzhou Juno Genomics, Inc
Classification: Uncertain significance for Hypogonadotropic hypogonadism 6 with or without anosmia. Review status: criteria provided, single submitter. Criteria: ACMG Guidelines, 2015. Collection method: clinical testing. Allele origin: germline.
Comment: Absent from controls (or at extremely low frequency if recessive) in Genome Aggregation Database.;Multiple lines of computational evidence support a deleterious effect on the gene or gene product.

NM_033163.5(FGF8):c.560G>A (p.Arg187Gln)

Gene: FGF8 (fibroblast growth factor 8; minus strand). Cytogenetic location: 10q24.32.
Variant type: single nucleotide variant.
Coding change: c.560G>A on transcript NM_033163.5 (MANE Select); coding-DNA position 560, G replaced by A.
Protein change: p.Arg187Gln; replaces arginine 187 with glutamine.
Molecular consequence: missense variant.
Genome position (GRCh38, 1-based): chr10:101,770,504, C>T on the plus strand (G>A on the coding strand, the complement: FGF8 is on the minus strand). VCF-style: chr10-101770504-C-T. GRCh37 (hg19) VCF-style: chr10-103530261-C-T.
Other names: c.248G>A, p.Arg83Gln (NM_001206389.2); c.473G>A, p.Arg158Gln (NM_006119.6); c.527G>A, p.Arg176Gln (NM_033164.4); c.440G>A, p.Arg147Gln (NM_033165.5); short protein forms R147Q, R158Q, R176Q, R187Q, R83Q.
Identifiers: ClinVar variation 5007462 (VCV005007462.2).